The following is an entry in ClinVar:

ClinVar aggregate classification (germline): Likely benign. Review status: criteria provided, single submitter (1 of 4 stars). 2 submissions from 2 submitters: Likely benign (1). 1 of the submissions does not count toward it. Last evaluated 2024-06-03.

Conditions:
NXN-related disorder. Also called: NXN-related condition.

Allele frequency attached by ClinVar (database versions not stated): TOPMed below 0.00001.

Submissions (2):

Labcorp Genetics (formerly Invitae), Labcorp
Classification: Likely benign. Last evaluated: 2024-06-03. Review status: criteria provided, single submitter. Criteria: Invitae Variant Classification Sherloc (09022015). Collection method: clinical testing. Allele origin: germline.

PreventionGenetics, part of Exact Sciences
Classification: Likely benign for NXN-related condition. Last evaluated: 2019-07-15. Review status: no assertion criteria provided. Collection method: clinical testing. Allele origin: germline. Not counted in ClinVar's aggregate classification.
Comment: This variant is classified as likely benign based on ACMG/AMP sequence variant interpretation guidelines (Richards et al. 2015 PMID: 25741868, with internal and published modifications).

NM_022463.5(NXN):c.129C>T (p.Ser43=)

Gene: NXN (nucleoredoxin; minus strand). Cytogenetic location: 17p13.3.
Variant type: single nucleotide variant.
Coding change: c.129C>T on transcript NM_022463.5 (MANE Select); coding-DNA position 129, C replaced by T.
Protein change: p.Ser43=; no amino-acid change (serine 43 retained).
Molecular consequence: synonymous variant.
Genome position (GRCh38, 1-based): chr17:979,550, G>A on the plus strand (C>T on the coding strand, the complement: NXN is on the minus strand). VCF-style: chr17-979550-G-A. GRCh37 (hg19) VCF-style: chr17-882790-G-A.
Other names: c.129C>T (NM_022463.4).
Identifiers: ClinVar variation 2871528 (VCV002871528.5), dbSNP rs753931000, ClinGen allele CA8264300.